The following is an entry in ClinVar:

ClinVar aggregate classification (germline): Uncertain significance (1 of 4 stars; one submission).

Conditions:
Hereditary cancer-predisposing syndrome. Also called: Hereditary Cancer Syndrome; Neoplastic Syndromes, Hereditary; Tumor predisposition; Hereditary neoplastic syndrome. Identifiers: Orphanet 140162, MedGen C0027672, MeSH D009386, MONDO:0015356.

Submission:

Ambry Genetics
Classification: Uncertain significance for Hereditary cancer-predisposing syndrome. Last evaluated: 2026-07-20. Review status: criteria provided, single submitter. Criteria: Ambry Variant Classification Scheme 2023. Collection method: clinical testing. Allele origin: germline.
Comment: The p.L187M variant (also known as c.559C>A), located in coding exon 4 of the CDK4 gene, results from a C to A substitution at nucleotide position 559. The leucine at codon 187 is replaced by methionine, an amino acid with highly similar properties. This amino acid position is highly conserved in available vertebrate species. In addition, the in silico prediction for this alteration is inconclusive. Based on the available evidence, the clinical significance of this variant remains unclear.

NM_000075.4(CDK4):c.559C>A (p.Leu187Met)

Gene: CDK4 (cyclin dependent kinase 4; minus strand). Cytogenetic location: 12q14.1.
Variant type: single nucleotide variant.
Coding change: c.559C>A on transcript NM_000075.4 (MANE Select); coding-DNA position 559, C replaced by A.
Protein change: p.Leu187Met; replaces leucine 187 with methionine.
Molecular consequence: missense variant.
Genome position (GRCh38, 1-based): chr12:57,750,729, G>T on the plus strand (C>A on the coding strand, the complement: CDK4 is on the minus strand). VCF-style: chr12-57750729-G-T. GRCh37 (hg19) VCF-style: chr12-58144512-G-T.
Other names: short protein forms L187M.
Identifiers: ClinVar variation 5034218 (VCV005034218.1).